The following is an entry in ClinVar:

NM_032242.4(PLXNA1):c.1922A>G (p.Tyr641Cys)

Gene: PLXNA1 (plexin A1; plus strand). Cytogenetic location: 3q21.3.
Variant type: single nucleotide variant.
Coding change: c.1922A>G on transcript NM_032242.4 (MANE Select); coding-DNA position 1922, A replaced by G.
Protein change: p.Tyr641Cys; replaces tyrosine 641 with cysteine.
Molecular consequence: missense variant.
Genome position (GRCh38, 1-based): chr3:127,006,103, A>G. VCF-style: chr3-127006103-A-G. GRCh37 (hg19) VCF-style: chr3-126724946-A-G.
Other names: short protein forms Y641C.
Identifiers: ClinVar variation 2628891 (VCV002628891.1), dbSNP rs768612946, ClinGen allele CA2593433.
Genomic context (GRCh38, chr3:127,006,103, plus strand): 5'-AGCAGTCCTGGTGACTCAGCCATGCTGCTCGTGCAGGAGACCAGCGGGTGGTGAAACTCT[A>G]CCTAAAGTCCAAGGAGACAGGGAAGAAGTTTGCGTCTGTGGACTTCGTCTTCTACAACTG-3'
Protein context (NP_115618.3, residues 631-651): GQGDQRVVKL[Tyr641Cys]LKSKETGKKF

ClinVar aggregate classification (germline): Uncertain significance (1 of 4 stars; one submission).

Conditions:
PLXNA1-related disorder. Also called: PLXNA1-related condition.

Allele frequency attached by ClinVar (database versions not stated): ExAC 0.00001; gnomAD 0.00001; gnomAD exomes 0.00001.

Submission:

PreventionGenetics, part of Exact Sciences
Classification: Uncertain significance for PLXNA1-related condition. Last evaluated: 2023-03-04. Review status: criteria provided, single submitter. Criteria: ACMG Guidelines, 2015. Collection method: clinical testing. Allele origin: germline.
Comment: The PLXNA1 c.1922A>G variant is predicted to result in the amino acid substitution p.Tyr641Cys. To our knowledge, this variant has not been reported in the literature. This variant is reported in 0.0080% of alleles in individuals of European (Finnish) descent in gnomAD. At this time, the clinical significance of this variant is uncertain due to the absence of conclusive functional and genetic evidence.